The following is an entry in ClinVar:

ClinVar aggregate classification (germline): Likely benign (1 of 4 stars; one submission).

Allele frequency attached by ClinVar (database versions not stated): gnomAD 0.00519; TOPMed 0.00560; 1000 Genomes Project 0.00659; 1000 Genomes Project 30x 0.00750.
gnomAD v4.1: 780 of 152,256 alleles (0.51%); highest among the groups gnomAD compares: African/African-American, 1.8%; 6 homozygotes.

Submission:

GeneDx
Classification: Likely benign. Last evaluated: 2019-03-17. Review status: criteria provided, single submitter. Criteria: GeneDx Variant Classification Process June 2021. Collection method: clinical testing. Allele origin: germline. Affected: yes.
Comment: See Variant Classification Assertion Criteria.

NM_000022.4(ADA):c.96-193T>C

Genes: ADA (adenosine deaminase; minus strand), LOC107303343 (adenosine deaminase intronic regulatory elements; plus strand). Cytogenetic location: 20q13.12.
Variant type: single nucleotide variant.
Coding change: c.96-193T>C on transcript NM_000022.4 (MANE Select); 193 bases into the intron before coding-DNA position 96, T replaced by C.
Molecular consequence: intron variant.
Genome position (GRCh38, 1-based): chr20:44,629,362, A>G on the plus strand (T>C on the coding strand, the complement: ADA is on the minus strand). VCF-style: chr20-44629362-A-G. GRCh37 (hg19) VCF-style: chr20-43258003-A-G.
Other names: c.-194-193T>C (NM_001322050.2); c.96-193T>C (NM_001322051.2).
Identifiers: ClinVar variation 1706683 (VCV001706683.2), dbSNP rs61491394, ClinGen allele CA315443773.